The following is an entry in ClinVar:

NM_019109.5(ALG1):c.301_302dup (p.Gln102fs)

Gene: ALG1 (ALG1 chitobiosyldiphosphodolichol beta-mannosyltransferase; plus strand). Cytogenetic location: 16p13.3.
Variant type: Duplication.
Coding change: c.301_302dup on transcript NM_019109.5 (MANE Select); coding-DNA positions 301 to 302, 2 bases duplicated (TT; older notation c.301_302dupTT).
Protein change: p.Gln102fs; shifts the reading frame from glutamine 102.
Molecular consequence: frameshift variant. On other transcripts: 5 prime UTR variant (1).
Genome position (GRCh38, 1-based): chr16:5,073,167-5,073,168, TT duplicated; duplicating any 2 consecutive bases within chr16:5,073,165-5,073,168 gives the same sequence; the c. name uses the placement nearest the transcript's 3' end. VCF-style (leftmost placement, unchanged base first): chr16-5073164-G-GTT. GRCh37 (hg19) VCF-style: chr16-5123165-G-GTT.
Other names: c.-33_-32dup (NM_001330504.2); short protein forms Q102fs.
Identifiers: ClinVar variation 2698923 (VCV002698923.3), dbSNP rs2505849026, ClinGen allele CA2697549679.
Genomic context (GRCh38, chr16:5,073,164, plus strand): 5'-AGATTGCCAGACGCTCCTTTGGTAGTCACAGGTGTTTTCTGACTTGCAGTTGGGCCCCGA[G>GTT]TTTTCCAGTACGGAGTCAAAGTTGTACTTCAGGCTATGTACTTGCTGTGGAAGTTGATGT-3'

ClinVar aggregate classification (germline): Pathogenic (1 of 4 stars; one submission).

Conditions:
ALG1-congenital disorder of glycosylation. Also called: CONGENITAL DISORDER OF GLYCOSYLATION, TYPE Ik; ALG1-CDG; CDG Ik. Identifiers: Orphanet 79327, MedGen C2931005, MONDO:0012052, OMIM 608540.

Submission:

Labcorp Genetics (formerly Invitae), Labcorp
Classification: Pathogenic for ALG1-congenital disorder of glycosylation. Last evaluated: 2023-11-25. Review status: criteria provided, single submitter. Criteria: Invitae Variant Classification Sherloc (09022015). Collection method: clinical testing. Allele origin: germline.
Comment: This sequence change creates a premature translational stop signal (p.Gln102Serfs*18) in the ALG1 gene. It is expected to result in an absent or disrupted protein product. Loss-of-function variants in ALG1 are known to be pathogenic (PMID: 20679665, 23806237). This variant is not present in population databases (gnomAD no frequency). This variant has not been reported in the literature in individuals affected with ALG1-related conditions. For these reasons, this variant has been classified as Pathogenic.

Literature cited by the submitters: PubMed 20679665; PubMed 23806237.